The following is an entry in ClinVar:

ClinVar aggregate classification (germline): Uncertain significance (1 of 4 stars; one submission).

Conditions:
Hypertrophic cardiomyopathy. Also called: HYPERTROPHIC MYOCARDIOPATHY. Identifiers: Orphanet 217569, MedGen C0007194, MeSH D002312, MONDO:0005045, HP:0001639.

Allele frequency attached by ClinVar (database versions not stated): gnomAD exomes below 0.00001; ExAC 0.00001; gnomAD 0.00001; TOPMed 0.00001; ESP Exome Variant Server 0.00009.

Submission:

Labcorp Genetics (formerly Invitae), Labcorp
Classification: Uncertain significance for Hypertrophic cardiomyopathy. Last evaluated: 2019-02-05. Review status: criteria provided, single submitter. Criteria: Invitae Variant Classification Sherloc (09022015). Collection method: clinical testing. Allele origin: germline.
Comment: In summary, the available evidence is currently insufficient to determine the role of this variant in disease. Therefore, it has been classified as a Variant of Uncertain Significance. The current clinical and genetic evidence is not sufficient to establish whether loss-of-function variants in MYOM1 cause disease. This variant has not been reported in the literature in individuals with MYOM1-related conditions. The frequency data for this variant in the population databases is considered unreliable, as metrics indicate poor data quality at this position in the ExAC database. This sequence change creates a premature translational stop signal (p.Thr753Asnfs*35) in the MYOM1 gene. It is expected to result in an absent or disrupted protein product.

NM_003803.4(MYOM1):c.2257dup (p.Thr753fs)

Gene: MYOM1 (myomesin 1; minus strand). Cytogenetic location: 18p11.31.
Variant type: Duplication.
Coding change: c.2257dup on transcript NM_003803.4 (MANE Select); coding-DNA position 2257, one base duplicated (A; older notation c.2257dupA).
Protein change: p.Thr753fs; shifts the reading frame from threonine 753.
Molecular consequence: frameshift variant.
Genome position (GRCh38, 1-based): chr18:3,134,777, T duplicated on the plus strand (A on the coding strand, the reverse complement: MYOM1 is on the minus strand). VCF-style (leftmost placement, unchanged base first): chr18-3134776-G-GT. GRCh37 (hg19) VCF-style: chr18-3134774-G-GT.
Other names: c.2257dup, p.Thr753fs (NM_019856.2); short protein forms T753fs.
Identifiers: ClinVar variation 841837 (VCV000841837.7), dbSNP rs770522680, ClinGen allele CA8874700.